The following is an entry in ClinVar:

ClinVar aggregate classification (germline): Uncertain significance. Review status: criteria provided, multiple submitters, no conflicts (2 of 4 stars). 4 submissions from 4 submitters: Uncertain significance (3). 1 of the submissions does not count toward it. Last evaluated 2024-10-08.

Conditions:
Retinitis pigmentosa (RP). Identifiers: Orphanet 791, MedGen C0035334, MeSH D012174, MONDO:0019200, OMIM 268000. Inheritance: Autosomal dominant, autosomal recessive and X linked inheritance.
Cone-rod dystrophy 16 (CORD16). Identifiers: MedGen C3281045, MONDO:0013786, OMIM 614500.
Bardet-biedl syndrome 21. Identifiers: MedGen C4319932, MONDO:0044308, OMIM 617406.
CFAP418-related disorder. Also called: CFAP418-related condition.

Allele frequency attached by ClinVar (database versions not stated): gnomAD exomes below 0.00001.
gnomAD v4.1: 8 of 1,614,230 alleles (0.0005%); highest among the groups gnomAD compares: East Asian, 0.0045%; no homozygotes.

Submissions (4):

Blueprint Genetics
Classification: Uncertain significance. Last evaluated: 2024-10-08. Review status: criteria provided, single submitter. Criteria: ACMG Guidelines, 2015. Collection method: clinical testing. Allele origin: germline.

Labcorp Genetics (formerly Invitae), Labcorp
Classification: Uncertain significance. Last evaluated: 2023-11-27. Review status: criteria provided, single submitter. Criteria: Invitae Variant Classification Sherloc (09022015). Collection method: clinical testing. Allele origin: germline.
Comment: This sequence change replaces lysine, which is basic and polar, with glutamic acid, which is acidic and polar, at codon 15 of the C8orf37 protein (p.Lys15Glu). This variant is not present in population databases (gnomAD no frequency). This variant has not been reported in the literature in individuals affected with C8orf37-related conditions. ClinVar contains an entry for this variant (Variation ID: 1047519). An algorithm developed to predict the effect of missense changes on protein structure and function (PolyPhen-2) suggests that this variant is likely to be disruptive. In summary, the available evidence is currently insufficient to determine the role of this variant in disease. Therefore, it has been classified as a Variant of Uncertain Significance.

Fulgent Genetics
Classification: Uncertain significance for Retinitis pigmentosa; Cone-rod dystrophy 16; Bardet-biedl syndrome 21. Last evaluated: 2021-07-06. Review status: criteria provided, single submitter. Criteria: ACMG Guidelines, 2015. Collection method: clinical testing. Allele origin: unknown.

PreventionGenetics, part of Exact Sciences
Classification: Uncertain significance for CFAP418-related condition. Last evaluated: 2023-12-13. Review status: no assertion criteria provided. Collection method: clinical testing. Allele origin: germline. Not counted in ClinVar's aggregate classification.
Comment: The CFAP418 c.43A>G variant is predicted to result in the amino acid substitution p.Lys15Glu. To our knowledge, this variant has not been reported in the literature or in a large population database, indicating this variant is rare. At this time, the clinical significance of this variant is uncertain due to the absence of conclusive functional and genetic evidence.

NM_177965.4(CFAP418):c.43A>G (p.Lys15Glu)

Genes: CFAP418 (cilia and flagella associated protein 418; minus strand), CFAP418-AS1 (CFAP418 antisense RNA 1; plus strand), LOC130000784 (ATAC-STARR-seq lymphoblastoid active region 27655; plus strand). Cytogenetic location: 8q22.1.
Variant type: single nucleotide variant.
Coding change: c.43A>G on transcript NM_177965.4 (MANE Select); coding-DNA position 43, A replaced by G.
Protein change: p.Lys15Glu; replaces lysine 15 with glutamic acid.
Molecular consequence: missense variant.
Genome position (GRCh38, 1-based): chr8:95,269,147, T>C on the plus strand (A>G on the coding strand, the complement: CFAP418 is on the minus strand). VCF-style: chr8-95269147-T-C. GRCh37 (hg19) VCF-style: chr8-96281375-T-C.
Other names: c.43A>G, p.Lys15Glu (NM_001363260.1); c.43A>G (NM_177965.3); short protein forms K15E.
Identifiers: ClinVar variation 1047519 (VCV001047519.12), dbSNP rs1023654494, ClinGen allele CA182090243.
Genomic context (GRCh38, chr8:95,269,147, plus strand): 5'-CGCCGCAGCCTTTGGGCTGCTCGACCATACCCCGTCTTAGAAGGTCAGGTGTGCAAAACT[T>C]GGACTCGACTTCATCCAAGAGCTCGTCCAGGTCCTCCGCCATCTTGAATCGCCTGGCCTT-3'
Protein context (NP_808880.1, residues 5-25): LDELLDEVES[Lys15Glu]FCTPDLLRRG